The following is an entry in ClinVar:

ClinVar aggregate classification (germline): Conflicting classifications of pathogenicity. Review status: criteria provided, conflicting classifications (1 of 4 stars). 2 submissions from 2 submitters: Uncertain significance (1); Likely benign (1). Last evaluated 2026-08-19.

Conditions:
PPOX-related disorder. Also called: PPOX-related condition.
Variegate porphyria (VP). Also called: PORPHYRIA, SOUTH AFRICAN TYPE; PROTOPORPHYRINOGEN OXIDASE DEFICIENCY; PPOX DEFICIENCY. Identifiers: Orphanet 79473, MedGen C0162532, MONDO:0008297, OMIM 176200.

Allele frequency attached by ClinVar (database versions not stated): gnomAD 0.00033 and 0.00060; TOPMed 0.00040; 1000 Genomes Project 0.00140; 1000 Genomes Project 30x 0.00141.
gnomAD v4.1: 822 of 1,136,996 alleles (0.072%); highest among the groups gnomAD compares: South Asian, 0.81%; 7 homozygotes.

Submissions (2):

PreventionGenetics, part of Exact Sciences
Classification: Likely benign for PPOX-related condition. Last evaluated: 2026-08-19. Review status: criteria provided, single submitter. Criteria: ACMG Guidelines, 2015. Collection method: clinical testing. Allele origin: germline.
Comment: This variant is classified as likely benign based on ACMG/AMP sequence variant interpretation guidelines (Richards et al. 2015 PMID: 25741868, with internal and published modifications).

Illumina Laboratory Services, Illumina
Classification: Uncertain significance for Variegate porphyria. Last evaluated: 2018-01-12. Review status: criteria provided, single submitter. Criteria: ICSL Variant Classification Criteria 13 December 2019. Collection method: clinical testing. Allele origin: germline.

NM_001122764.3(PPOX):c.-251G>C

Gene: PPOX (protoporphyrinogen oxidase; plus strand). Cytogenetic location: 1q23.3.
Variant type: single nucleotide variant.
Coding change: c.-251G>C on transcript NM_001122764.3 (MANE Select); 251 bases upstream of the start codon, G replaced by C.
Molecular consequence: 5 prime UTR variant.
Genome position (GRCh38, 1-based): chr1:161,166,430, G>C. VCF-style: chr1-161166430-G-C. GRCh37 (hg19) VCF-style: chr1-161136220-G-C.
Other names: c.-190G>C (NM_000309.5); c.-251G>C (NM_001350128.2, NM_001365399.1); c.-678G>C (NM_001350129.2); c.-769G>C (NM_001350130.2); c.-594G>C (NM_001350131.2); c.-501G>C (NM_001365400.1); c.-560G>C (NM_001365401.1).
Identifiers: ClinVar variation 293237 (VCV000293237.6), dbSNP rs368129128, ClinGen allele CA10608519.